The following is an entry in ClinVar:

ClinVar aggregate classification (germline): Uncertain significance (1 of 4 stars; one submission).

Conditions:
3-methylglutaconic aciduria type 1 (MGCA1). Identifiers: Orphanet 67046, MedGen C0342727, MONDO:0009610, OMIM 250950.

Submission:

Labcorp Genetics (formerly Invitae), Labcorp
Classification: Uncertain significance for 3-methylglutaconic aciduria type 1. Last evaluated: 2021-04-02. Review status: criteria provided, single submitter. Criteria: Invitae Variant Classification Sherloc (09022015). Collection method: clinical testing. Allele origin: germline.
Comment: This sequence change replaces lysine with glutamic acid at codon 144 of the AUH protein (p.Lys144Glu). The lysine residue is highly conserved and there is a small physicochemical difference between lysine and glutamic acid. This variant is not present in population databases (ExAC no frequency). In summary, the available evidence is currently insufficient to determine the role of this variant in disease. Therefore, it has been classified as a Variant of Uncertain Significance. Algorithms developed to predict the effect of missense changes on protein structure and function are either unavailable or do not agree on the potential impact of this missense change (SIFT: "Deleterious"; PolyPhen-2: "Possibly Damaging"; Align-GVGD: "Class C0"). This variant has not been reported in the literature in individuals with AUH-related conditions.

NM_001698.3(AUH):c.430A>G (p.Lys144Glu)

Gene: AUH (AU RNA binding methylglutaconyl-CoA hydratase; minus strand). Cytogenetic location: 9q22.31.
Variant type: single nucleotide variant.
Coding change: c.430A>G on transcript NM_001698.3 (MANE Select); coding-DNA position 430, A replaced by G.
Protein change: p.Lys144Glu; replaces lysine 144 with glutamic acid.
Molecular consequence: missense variant. On other transcripts: intron variant (1).
Genome position (GRCh38, 1-based): chr9:91,325,393, T>C on the plus strand (A>G on the coding strand, the complement: AUH is on the minus strand). VCF-style: chr9-91325393-T-C. GRCh37 (hg19) VCF-style: chr9-94087675-T-C.
Other names: c.103A>G, p.Lys35Glu (NM_001351431.2, NM_001351432.2, NM_001351433.2); c.419-27317A>G (NM_001306190.2); short protein forms K35E, K144E.
Identifiers: ClinVar variation 1483517 (VCV001483517.8), dbSNP rs2131861010, ClinGen allele CA373837204.
Genomic context (GRCh38, chr9:91,325,393, plus strand): 5'-CTGCTCTTATTTTGGAGACAAAAGGACCAACTTCACTGGAACTCATTTTGGCTCTTTCCT[T>C]AAGGTCAGCACCTGCAAAGTATTTTATTTACAAATATAATCTAGTTGTAAACAAAATTTT-3'
Protein context (NP_001689.1, residues 134-154): PGIFCAGADL[Lys144Glu]ERAKMSSSEV